The following is an entry in ClinVar:

NM_022455.5(NSD1):c.796A>G (p.Thr266Ala)

Gene: NSD1 (nuclear receptor binding SET domain protein 1; plus strand). Cytogenetic location: 5q35.3.
Variant type: single nucleotide variant.
Coding change: c.796A>G on transcript NM_022455.5 (MANE Select); coding-DNA position 796, A replaced by G.
Protein change: p.Thr266Ala; replaces threonine 266 with alanine.
Molecular consequence: missense variant. On other transcripts: intron variant (8).
Genome position (GRCh38, 1-based): chr5:177,135,899, A>G. VCF-style: chr5-177135899-A-G. GRCh37 (hg19) VCF-style: chr5-176562900-A-G.
Other names: c.796A>G, p.Thr266Ala (NM_001409301.1, NM_001409302.1, NM_001409303.1); c.418-42A>G (NM_001409304.1); c.-36-42A>G (NM_001409305.1, NM_001409306.1, NM_001409308.1 and 4 more transcripts); short protein forms T266A.
Identifiers: ClinVar variation 3369817 (VCV003369817.2).

ClinVar aggregate classification (germline): Uncertain significance. Review status: criteria provided, multiple submitters, no conflicts (2 of 4 stars). 2 submissions from 2 submitters: Uncertain significance (2). Last evaluated 2024-02-28.

Conditions:
Sotos syndrome (SOTOS). Also called: CHROMOSOME 5q35 DELETION SYNDROME; SOTOS SYNDROME 1; CEREBRAL GIGANTISM; Sotos' syndrome; Distinctive facial appearance, overgrowth in childhood, and learning disabilities or delayed development. Identifiers: Orphanet 821, MedGen C0175695, MONDO:0019349, OMIM 117550.

Submissions (2):

GeneDx
Classification: Uncertain significance. Last evaluated: 2024-02-28. Review status: criteria provided, single submitter. Criteria: GeneDx Variant Classification Process June 2021. Collection method: clinical testing. Allele origin: germline. Affected: yes.
Comment: In silico analysis supports that this missense variant does not alter protein structure/function; Has not been previously published as pathogenic or benign to our knowledge

Fulgent Genetics
Classification: Uncertain significance for Sotos syndrome. Last evaluated: 2024-01-28. Review status: criteria provided, single submitter. Criteria: ACMG Guidelines, 2015. Collection method: clinical testing. Allele origin: germline.